The following is an entry in ClinVar:

ClinVar aggregate classification (germline): Conflicting classifications of pathogenicity. Review status: criteria provided, conflicting classifications (1 of 4 stars). 3 submissions from 3 submitters: Uncertain significance (2); Likely benign (1). Last evaluated 2025-03-18.

Conditions:
Alagille syndrome due to a NOTCH2 point mutation. Also called: Alagille syndrome 2. Identifiers: Orphanet 261629, Orphanet 52, MedGen C1857761, MONDO:0012439, OMIM 610205.
Hajdu-Cheney syndrome (HJCYS). Also called: ACROOSTEOLYSIS WITH OSTEOPOROSIS AND CHANGES IN SKULL AND MANDIBLE; Acroosteolysis dominant type; SERPENTINE FIBULA-POLYCYSTIC KIDNEY SYNDROME. Identifiers: Orphanet 955, MedGen C0917715, MONDO:0007057, OMIM 102500.

Allele frequency attached by ClinVar (database versions not stated): TOPMed below 0.00001; gnomAD exomes 0.00001; ExAC 0.00002.
gnomAD v4.1: 16 of 1,612,724 alleles (0.00099%); highest among the groups gnomAD compares: Non-Finnish European, 0.0014%; no homozygotes.

Submissions (3):

Labcorp Genetics (formerly Invitae), Labcorp
Classification: Uncertain significance for Hajdu-Cheney syndrome. Last evaluated: 2025-03-18. Review status: criteria provided, single submitter. Criteria: Invitae Variant Classification Sherloc (09022015). Collection method: clinical testing. Allele origin: germline.
Comment: This sequence change replaces valine, which is neutral and non-polar, with alanine, which is neutral and non-polar, at codon 794 of the NOTCH2 protein (p.Val794Ala). This variant is present in population databases (rs782132637, gnomAD 0.003%). This variant has not been reported in the literature in individuals affected with NOTCH2-related conditions. ClinVar contains an entry for this variant (Variation ID: 1518071). Invitae Evidence Modeling of protein sequence and biophysical properties (such as structural, functional, and spatial information, amino acid conservation, physicochemical variation, residue mobility, and thermodynamic stability) indicates that this missense variant is not expected to disrupt NOTCH2 protein function with a negative predictive value of 80%. In summary, the available evidence is currently insufficient to determine the role of this variant in disease. Therefore, it has been classified as a Variant of Uncertain Significance.

Blueprint Genetics
Classification: Likely benign. Last evaluated: 2022-12-30. Review status: criteria provided, single submitter. Criteria: ACMG Guidelines, 2015. Collection method: clinical testing. Allele origin: germline.

Fulgent Genetics
Classification: Uncertain significance for Hajdu-Cheney syndrome; Alagille syndrome due to a NOTCH2 point mutation. Last evaluated: 2021-07-23. Review status: criteria provided, single submitter. Criteria: ACMG Guidelines, 2015. Collection method: clinical testing. Allele origin: unknown.

NM_024408.4(NOTCH2):c.2381T>C (p.Val794Ala)

Gene: NOTCH2 (notch receptor 2; minus strand). Cytogenetic location: 1p12.
Variant type: single nucleotide variant.
Coding change: c.2381T>C on transcript NM_024408.4 (MANE Select); coding-DNA position 2381, T replaced by C.
Protein change: p.Val794Ala; replaces valine 794 with alanine.
Molecular consequence: missense variant.
Genome position (GRCh38, 1-based): chr1:119,950,822, A>G on the plus strand (T>C on the coding strand, the complement: NOTCH2 is on the minus strand). VCF-style: chr1-119950822-A-G. GRCh37 (hg19) VCF-style: chr1-120493445-A-G.
Other names: c.2381T>C, p.Val794Ala (NM_001200001.2); short protein forms V794A.
Identifiers: ClinVar variation 1518071 (VCV001518071.8), dbSNP rs782132637, ClinGen allele CA1040312.